The following is an entry in ClinVar:

ClinVar aggregate classification (germline): Uncertain significance. Review status: criteria provided, multiple submitters, no conflicts (2 of 4 stars). 2 submissions from 2 submitters: Uncertain significance (2). Last evaluated 2025-01-29.

Conditions:
Warts, hypogammaglobulinemia, infections, and myelokathexis. Also called: WHIM syndrome. Identifiers: MedGen C0472817, MONDO:0023880.
CXCR4-related disorder. Also called: CXCR4-related condition.

Allele frequency attached by ClinVar (database versions not stated): gnomAD exomes below 0.00001 and 0.00001; ExAC 0.00001; gnomAD 0.00001; TOPMed 0.00002; ESP Exome Variant Server 0.00008.
gnomAD v4.1: 6 of 1,614,076 alleles (0.00037%); highest among the groups gnomAD compares: East Asian, 0.0022%; no homozygotes.

Submissions (2):

PreventionGenetics, part of Exact Sciences
Classification: Uncertain significance for CXCR4-related condition. Last evaluated: 2025-01-29. Review status: criteria provided, single submitter. Criteria: ACMG Guidelines, 2015. Collection method: clinical testing. Allele origin: germline.
Comment: The CXCR4 c.478G>A variant is predicted to result in the amino acid substitution p.Val160Ile. To our knowledge, this variant has not been reported in the literature. This variant is reported in 0.0054% of alleles in individuals of East Asian descent in gnomAD. At this time, the clinical significance of this variant is uncertain due to the absence of conclusive functional and genetic evidence.

Labcorp Genetics (formerly Invitae), Labcorp
Classification: Uncertain significance for Warts, hypogammaglobulinemia, infections, and myelokathexis. Last evaluated: 2023-11-18. Review status: criteria provided, single submitter. Criteria: Invitae Variant Classification Sherloc (09022015). Collection method: clinical testing. Allele origin: germline.
Comment: This sequence change replaces valine, which is neutral and non-polar, with isoleucine, which is neutral and non-polar, at codon 160 of the CXCR4 protein (p.Val160Ile). This variant is present in population databases (rs147198552, gnomAD 0.006%). This variant has not been reported in the literature in individuals affected with CXCR4-related conditions. ClinVar contains an entry for this variant (Variation ID: 660916). An algorithm developed to predict the effect of missense changes on protein structure and function (PolyPhen-2) suggests that this variant is likely to be tolerated. In summary, the available evidence is currently insufficient to determine the role of this variant in disease. Therefore, it has been classified as a Variant of Uncertain Significance.

NM_003467.3(CXCR4):c.478G>A (p.Val160Ile)

Gene: CXCR4 (C-X-C motif chemokine receptor 4; minus strand). Cytogenetic location: 2q22.1.
Variant type: single nucleotide variant.
Coding change: c.478G>A on transcript NM_003467.3 (MANE Select); coding-DNA position 478, G replaced by A.
Protein change: p.Val160Ile; replaces valine 160 with isoleucine.
Molecular consequence: missense variant.
Genome position (GRCh38, 1-based): chr2:136,115,450, C>T on the plus strand (G>A on the coding strand, the complement: CXCR4 is on the minus strand). VCF-style: chr2-136115450-C-T. GRCh37 (hg19) VCF-style: chr2-136873020-C-T.
Other names: c.490G>A, p.Val164Ile (NM_001008540.2); c.691G>A, p.Val231Ile (NM_001348056.2); c.577G>A, p.Val193Ile (NM_001348059.2); c.433G>A, p.Val145Ile (NM_001348060.2); short protein forms V145I, V160I, V193I, V231I, V164I.
Identifiers: ClinVar variation 660916 (VCV000660916.10), dbSNP rs147198552, ClinGen allele CA1890115.